The following is an entry in ClinVar:

NM_002524.5(NRAS):c.112_119del (p.Asp38fs)

Gene: NRAS (NRAS proto-oncogene, GTPase; minus strand). Cytogenetic location: 1p13.2.
Variant type: Deletion.
Coding change: c.112_119del on transcript NM_002524.5 (MANE Select); coding-DNA positions 112 to 119, 8 bases deleted (GATTCTTA; older notation c.112_119delGATTCTTA).
Protein change: p.Asp38fs; shifts the reading frame from aspartic acid 38.
Molecular consequence: frameshift variant.
Genome position (GRCh38, 1-based): chr1:114,713,971-114,713,978, TAAGAATC deleted on the plus strand (GATTCTTA on the coding strand, the reverse complement: NRAS is on the minus strand). VCF-style (leftmost placement, unchanged base first): chr1-114713970-GTAAGAATC-G. GRCh37 (hg19) VCF-style: chr1-115256591-GTAAGAATC-G.
Other names: c.112_119delGATTCTTA (NM_002524.5); short protein forms D38fs.
Identifiers: ClinVar variation 4526611 (VCV004526611.1).

ClinVar aggregate classification (oncogenicity): Oncogenic (1 of 4 stars; one submission).

Conditions:
Acute myeloid leukemia (AML). Also called: Acute myeloid leukemia, adult; AML adult; Acute non-lymphocytic leukemia; Acute granulocytic leukemia; Leukemia, acute myeloid, somatic; Leukemia, acute myelogenous, somatic. Identifiers: Orphanet 519, MedGen C0023467, MeSH D015470, MONDO:0018874, OMIM 601626, HP:0004808. Disease mechanism: Constitutively activated FLT3.

Submission:

Microbiology and Molecular Biology Lab, Lahore College for Women University
Classification: Oncogenic for Acute myeloid leukemia. Last evaluated: 2025-10-12. Review status: criteria provided, single submitter. Criteria: Assertion Criteria 1.0. Collection method: research. Allele origin: somatic. Affected: yes.
Comment: NRAS cDNA Change: c.112_119delGCTTCTTG is somatic, oncogenic mutation which is not commonly seen in any databases. This mutation is seen in exon 3 of NRAS gene where GTP ad GDP interconversion takes place. In this variant, two amino acids deletion p.D38_Y40delfound which changes activity of protein. This variant has never been reported in case of AML. This variant has highly damaging effect on protein activity, structure, function, kinase activity and have oncogenic protentional after predicting this variant by various bioinformatics tools.